The following is an entry in ClinVar:

NM_002691.4(POLD1):c.1243-16T>C

Gene: POLD1 (DNA polymerase delta 1, catalytic subunit; plus strand). Cytogenetic location: 19q13.33.
Variant type: single nucleotide variant.
Coding change: c.1243-16T>C on transcript NM_002691.4 (MANE Select); 16 bases into the intron before coding-DNA position 1243, T replaced by C.
Molecular consequence: intron variant.
Genome position (GRCh38, 1-based): chr19:50,406,166, T>C. VCF-style: chr19-50406166-T-C. GRCh37 (hg19) VCF-style: chr19-50909423-T-C.
Other names: c.1243-16T>C (NM_001256849.1, NM_001308632.1).
Identifiers: ClinVar variation 1552467 (VCV001552467.9), dbSNP rs2122315403, ClinGen allele CA2573156583.

ClinVar aggregate classification (germline): Likely benign. Review status: criteria provided, multiple submitters, no conflicts (2 of 4 stars). 2 submissions from 2 submitters: Likely benign (2). Last evaluated 2025-02-05.

Conditions:
POLD1-related polyposis and colorectal cancer syndrome (CRCS10). Also called: Colorectal cancer 10; COLORECTAL CANCER, SUSCEPTIBILITY TO, ON CHROMOSOME 19q; Colorectal cancer, susceptibility to, 10. Identifiers: Orphanet 220460, MedGen C2675481, MONDO:0012953, OMIM 612591.

Submissions (2):

Myriad Genetics, Inc.
Classification: Likely benign for POLD1-related polyposis and colorectal cancer syndrome. Last evaluated: 2025-02-05. Review status: criteria provided, single submitter. Criteria: Myriad Autosomal Dominant, Autosomal Recessive and X-Linked Classification Criteria (2023). Collection method: clinical testing. Allele origin: unknown.
Comment: This variant is considered likely benign. This variant is intronic and is not expected to impact mRNA splicing.

Labcorp Genetics (formerly Invitae), Labcorp
Classification: Likely benign for POLD1-related polyposis and colorectal cancer syndrome. Last evaluated: 2021-06-16. Review status: criteria provided, single submitter. Criteria: Invitae Variant Classification Sherloc (09022015). Collection method: clinical testing. Allele origin: germline.